The following is an entry in ClinVar:

ClinVar aggregate classification (germline): Uncertain significance. Review status: criteria provided, single submitter (1 of 4 stars). 2 submissions from 2 submitters: Uncertain significance (1). 1 of the submissions does not count toward it. Last evaluated 2025-05-09.

Conditions:
CSF1R-related disorder. Also called: CSF1R-related condition. Identifiers: MedGen CN379780, MONDO:0100632.

Allele frequency attached by ClinVar (database versions not stated): ExAC 0.00002; gnomAD 0.00002; gnomAD exomes 0.00004 and 0.00006; TOPMed 0.00004; ESP Exome Variant Server 0.00008.
gnomAD v4.1: 86 of 1,614,054 alleles (0.0053%); highest among the groups gnomAD compares: Non-Finnish European, 0.0068%; no homozygotes.

Submissions (2):

Labcorp Genetics (formerly Invitae), Labcorp
Classification: Uncertain significance. Last evaluated: 2025-05-09. Review status: criteria provided, single submitter. Criteria: Invitae Variant Classification Sherloc (09022015). Collection method: clinical testing. Allele origin: germline.
Comment: This sequence change replaces serine, which is neutral and polar, with asparagine, which is neutral and polar, at codon 67 of the CSF1R protein (p.Ser67Asn). This variant is present in population databases (rs147989288, gnomAD 0.006%). This variant has not been reported in the literature in individuals affected with CSF1R-related conditions. ClinVar contains an entry for this variant (Variation ID: 1483993). Invitae Evidence Modeling of protein sequence and biophysical properties (such as structural, functional, and spatial information, amino acid conservation, physicochemical variation, residue mobility, and thermodynamic stability) indicates that this missense variant is not expected to disrupt CSF1R protein function with a negative predictive value of 95%. In summary, the available evidence is currently insufficient to determine the role of this variant in disease. Therefore, it has been classified as a Variant of Uncertain Significance.

PreventionGenetics, part of Exact Sciences
Classification: Uncertain significance for CSF1R-related condition. Last evaluated: 2024-07-10. Review status: no assertion criteria provided. Collection method: clinical testing. Allele origin: germline. Not counted in ClinVar's aggregate classification.
Comment: The CSF1R c.200G>A variant is predicted to result in the amino acid substitution p.Ser67Asn. To our knowledge, this variant has not been reported in the literature. This variant is reported in 0.0077% of alleles in individuals of European (Non-Finnish) descent in gnomAD. At this time, the clinical significance of this variant is uncertain due to the absence of conclusive functional and genetic evidence.

NM_001288705.3(CSF1R):c.200G>A (p.Ser67Asn)

Gene: CSF1R (colony stimulating factor 1 receptor; minus strand). Cytogenetic location: 5q32.
Variant type: single nucleotide variant.
Coding change: c.200G>A on transcript NM_001288705.3 (MANE Select); coding-DNA position 200, G replaced by A.
Protein change: p.Ser67Asn; replaces serine 67 with asparagine.
Molecular consequence: missense variant. On other transcripts: 5 prime UTR variant (1), non-coding transcript variant (2).
Genome position (GRCh38, 1-based): chr5:150,080,874, C>T on the plus strand (G>A on the coding strand, the complement: CSF1R is on the minus strand). VCF-style: chr5-150080874-C-T. GRCh37 (hg19) VCF-style: chr5-149460437-C-T.
Other names: c.200G>A, p.Ser67Asn (NM_001349736.2, NM_001375320.1, NM_005211.4); c.-245G>A (NM_001375321.1); c.200G>A (NM_005211.3); short protein forms S67N.
Identifiers: ClinVar variation 1483993 (VCV001483993.9), dbSNP rs147989288, ClinGen allele CA3507254.